The following is an entry in ClinVar:

NM_001291303.3(FAT4):c.9273C>A (p.Phe3091Leu)

Gene: FAT4 (FAT atypical cadherin 4; plus strand). Cytogenetic location: 4q28.1.
Variant type: single nucleotide variant.
Coding change: c.9273C>A on transcript NM_001291303.3 (MANE Select); coding-DNA position 9273, C replaced by A.
Protein change: p.Phe3091Leu; replaces phenylalanine 3091 with leucine.
Molecular consequence: missense variant.
Genome position (GRCh38, 1-based): chr4:125,450,283, C>A. VCF-style: chr4-125450283-C-A. GRCh37 (hg19) VCF-style: chr4-126371438-C-A.
Other names: c.9273C>A, p.Phe3091Leu (NM_001291285.3); c.9267C>A, p.Phe3089Leu (NM_024582.6); c.9273C>A (NM_001291303.1); short protein forms F3089L, F3091L.
Identifiers: ClinVar variation 1691351 (VCV001691351.5), dbSNP rs748266278, ClinGen allele CA3073496.

ClinVar aggregate classification (germline): Uncertain significance. Review status: criteria provided, multiple submitters, no conflicts (2 of 4 stars). 3 submissions from 3 submitters: Uncertain significance (2). 1 of the submissions does not count toward it. Last evaluated 2022-02-19.

Conditions:
FAT4-related disorder. Also called: FAT4-related condition.
Capillary infantile hemangioma. Also called: Hereditary capillary infantile hemangioma; HEMANGIOMA, HEREDITARY CAPILLARY; Hemangioma, capillary infantile, somatic. Identifiers: MedGen C1865871, MONDO:0011191, OMIM 602089.

Allele frequency attached by ClinVar (database versions not stated): ExAC 0.00002; gnomAD 0.00003 and 0.00004; gnomAD exomes 0.00003; TOPMed 0.00004.
gnomAD v4.1: 63 of 1,613,990 alleles (0.0039%); highest among the groups gnomAD compares: Non-Finnish European, 0.0051%; no homozygotes.

Submissions (3):

Labcorp Genetics (formerly Invitae), Labcorp
Classification: Uncertain significance. Last evaluated: 2022-02-19. Review status: criteria provided, single submitter. Criteria: Invitae Variant Classification Sherloc (09022015). Collection method: clinical testing. Allele origin: germline.
Comment: This sequence change replaces phenylalanine, which is neutral and non-polar, with leucine, which is neutral and non-polar, at codon 3089 of the FAT4 protein (p.Phe3089Leu). This variant is present in population databases (rs748266278, gnomAD 0.006%). This variant has not been reported in the literature in individuals affected with FAT4-related conditions. Advanced modeling of protein sequence and biophysical properties (such as structural, functional, and spatial information, amino acid conservation, physicochemical variation, residue mobility, and thermodynamic stability) performed at Invitae indicates that this missense variant is expected to disrupt FAT4 protein function. In summary, the available evidence is currently insufficient to determine the role of this variant in disease. Therefore, it has been classified as a Variant of Uncertain Significance.

Seattle Children's Hospital Molecular Genetics Laboratory, Seattle Children's Hospital
Classification: Uncertain significance for Capillary infantile hemangioma. Last evaluated: 2022-01-28. Review status: criteria provided, single submitter. Criteria: ACMG Guidelines, 2015. Collection method: clinical testing. Allele origin: germline. Affected: yes.
Comment: The c.9267C>A (p.Phe3089Leu) variant is present in large population studies (observed in 8 of 281,350 alleles, gnomAD v2.1). Algorithms developed to predict the effect of missense changes on protein structure and function (SIFT, PolyPhen-2, DANN, CADD) have conflicting predictions about the possible impact of this change (CADD 24.6).

PreventionGenetics, part of Exact Sciences
Classification: Uncertain significance for FAT4-related condition. Last evaluated: 2024-05-15. Review status: no assertion criteria provided. Collection method: clinical testing. Allele origin: germline. Not counted in ClinVar's aggregate classification.
Comment: The FAT4 c.9273C>A variant is predicted to result in the amino acid substitution p.Phe3091Leu. To our knowledge, this variant has not been reported in the literature. This variant is reported in 0.0097% of alleles in individuals of Ashkenazi Jewish descent in gnomAD. At this time, the clinical significance of this variant is uncertain due to the absence of conclusive functional and genetic evidence.